The following is an entry in ClinVar:

NM_000532.5(PCCB):c.52del (p.Ala18fs)

Gene: PCCB (propionyl-CoA carboxylase subunit beta; plus strand). Cytogenetic location: 3q22.3.
Variant type: Deletion.
Coding change: c.52del on transcript NM_000532.5 (MANE Select); coding-DNA position 52, one base deleted (G; older notation c.52delG).
Protein change: p.Ala18fs; shifts the reading frame from alanine 18.
Molecular consequence: frameshift variant.
Genome position (GRCh38, 1-based): chr3:136,250,427, G deleted; the last of 2 consecutive G bases (chr3:136,250,426-136,250,427); deleting either gives the same sequence. VCF-style (leftmost placement, unchanged base first): chr3-136250425-TG-T. GRCh37 (hg19) VCF-style: chr3-135969267-TG-T.
Other names: c.52del, p.Ala18fs (NM_001178014.2); short protein forms A18fs.
Identifiers: ClinVar variation 1726884 (VCV001726884.2), dbSNP rs2529731365, ClinGen allele CA2580068812.
Genomic context (GRCh38, chr3:136,250,425, plus strand): 5'-GCACAGCAAAAATGGCGGCGGCATTACGGGTGGCGGCGGTCGGGGCAAGGCTCAGCGTTC[TG>T]GCGAGCGGTCTCCGCGCCGCGGTCCGCAGCCTTTGCAGCCAGGCCACCTCTGTTAACGAA-3'

ClinVar aggregate classification (germline): Likely pathogenic (1 of 4 stars; one submission).

Conditions:
Propionic acidemia (PROP). Also called: GLYCINEMIA, KETOTIC; HYPERGLYCINEMIA WITH KETOACIDOSIS AND LEUKOPENIA; KETOTIC HYPERGLYCINEMIA. Identifiers: Orphanet 35, MedGen C0268579, MONDO:0011628, OMIM 606054, HP:0003571.

Submission:

Myriad Genetics, Inc.
Classification: Likely pathogenic for Propionic acidemia. Last evaluated: 2022-01-02. Review status: criteria provided, single submitter. Criteria: Myriad Women's Health Autosomal Recessive and X-Linked Classification Criteria (2021). Collection method: clinical testing. Allele origin: unknown.
Comment: NM_000532.4(PCCB):c.52delG(A18Rfs*47) is expected to be pathogenic in the context of PCCB-related propionic acidemia. This variant is predicted to lead to an abnormal or absent protein product due to the creation of a premature termination codon in PCCB, a gene where loss-of-function variants are known to be pathogenic. Please note: this variant was assessed in the context of healthy population screening.